The following is an entry in ClinVar:

ClinVar aggregate classification (germline): Uncertain significance (1 of 4 stars; one submission).

Submission:

Labcorp Genetics (formerly Invitae), Labcorp
Classification: Uncertain significance. Last evaluated: 2023-12-07. Review status: criteria provided, single submitter. Criteria: Invitae Variant Classification Sherloc (09022015). Collection method: clinical testing. Allele origin: germline.
Comment: This sequence change replaces lysine, which is basic and polar, with glutamic acid, which is acidic and polar, at codon 962 of the HPS3 protein (p.Lys962Glu). This variant is not present in population databases (gnomAD no frequency). This variant has not been reported in the literature in individuals affected with HPS3-related conditions. ClinVar contains an entry for this variant (Variation ID: 1375067). Advanced modeling of protein sequence and biophysical properties (such as structural, functional, and spatial information, amino acid conservation, physicochemical variation, residue mobility, and thermodynamic stability) performed at Invitae indicates that this missense variant is expected to disrupt HPS3 protein function with a positive predictive value of 80%. In summary, the available evidence is currently insufficient to determine the role of this variant in disease. Therefore, it has been classified as a Variant of Uncertain Significance.

NM_032383.5(HPS3):c.2884A>G (p.Lys962Glu)

Genes: CP (ceruloplasmin; minus strand), HPS3 (HPS3 biogenesis of lysosomal organelles complex 2 subunit 1; plus strand). Cytogenetic location: 3q24.
Variant type: single nucleotide variant.
Coding change: c.2884A>G on transcript NM_032383.5 (MANE Select); coding-DNA position 2884, A replaced by G.
Protein change: p.Lys962Glu; replaces lysine 962 with glutamic acid.
Molecular consequence: missense variant.
Genome position (GRCh38, 1-based): chr3:149,167,980, A>G. VCF-style: chr3-149167980-A-G. GRCh37 (hg19) VCF-style: chr3-148885767-A-G.
Other names: c.2389A>G, p.Lys797Glu (NM_001308258.2); short protein forms K797E, K962E.
Identifiers: ClinVar variation 1375067 (VCV001375067.6), dbSNP rs2108187323, ClinGen allele CA354926500.